The following is an entry in ClinVar:

NM_003742.4(ABCB11):c.392T>A (p.Leu131Ter)

Gene: ABCB11 (ATP binding cassette subfamily B member 11; minus strand). Cytogenetic location: 2q31.1.
Variant type: single nucleotide variant.
Coding change: c.392T>A on transcript NM_003742.4 (MANE Select); coding-DNA position 392, T replaced by A.
Protein change: p.Leu131Ter; replaces leucine 131 with a stop codon.
Molecular consequence: nonsense.
Genome position (GRCh38, 1-based): chr2:168,996,720, A>T on the plus strand (T>A on the coding strand, the complement: ABCB11 is on the minus strand). VCF-style: chr2-168996720-A-T. GRCh37 (hg19) VCF-style: chr2-169853230-A-T.
Other names: short protein forms L131*.
Identifiers: ClinVar variation 2680549 (VCV002680549.3), dbSNP rs2545457176, ClinGen allele CA349132943.
Genomic context (GRCh38, chr2:168,996,720, plus strand): 5'-GCGACAGCAATTCCAGCATAGTAACTGGCAAATTTGATCATTTCGCTCTCGATGTTCAGC[A>T]ACCTTCAAAAGAGGGAAAAGAATGTTCAGACTTGCAAGTAGGATCAAGCCACCAGAGATT-3'

ClinVar aggregate classification (germline): Pathogenic/Likely pathogenic. Review status: criteria provided, multiple submitters, no conflicts (2 of 4 stars). 2 submissions from 2 submitters: Pathogenic (1); Likely pathogenic (1). Last evaluated 2024-02-14.

Conditions:
Benign recurrent intrahepatic cholestasis type 2 (BRIC2). Also called: Recurrent familial intrahepatic cholestasis 2. Identifiers: Orphanet 65682, Orphanet 99961, MedGen C2608083, MONDO:0011559, OMIM 605479.

Submissions (2):

Labcorp Genetics (formerly Invitae), Labcorp
Classification: Pathogenic. Last evaluated: 2024-02-14. Review status: criteria provided, single submitter. Criteria: Invitae Variant Classification Sherloc (09022015). Collection method: clinical testing. Allele origin: germline.
Comment: This sequence change creates a premature translational stop signal (p.Leu131*) in the ABCB11 gene. It is expected to result in an absent or disrupted protein product. Loss-of-function variants in ABCB11 are known to be pathogenic (PMID: 18395098, 20232290). This variant is not present in population databases (gnomAD no frequency). This variant has not been reported in the literature in individuals affected with ABCB11-related conditions. For these reasons, this variant has been classified as Pathogenic.

Baylor Genetics
Classification: Likely pathogenic for Benign recurrent intrahepatic cholestasis type 2. Last evaluated: 2023-03-18. Review status: criteria provided, single submitter. Criteria: ACMG Guidelines, 2015. Collection method: clinical testing. Allele origin: unknown.

Literature cited by the submitters: PubMed 18395098 (cited by Labcorp Genetics (formerly Invitae), Labcorp); PubMed 20232290 (cited by Labcorp Genetics (formerly Invitae), Labcorp).